The following is an entry in ClinVar:

ClinVar aggregate classification (germline): Uncertain significance (1 of 4 stars; one submission).

Conditions:
Aortic valve disease 2 (AOVD2). Identifiers: MedGen C3542024, MONDO:0013902, OMIM 614823.

Submission:

Labcorp Genetics (formerly Invitae), Labcorp
Classification: Uncertain significance for Aortic valve disease 2. Last evaluated: 2025-04-11. Review status: criteria provided, single submitter. Criteria: Invitae Variant Classification Sherloc (09022015). Collection method: clinical testing. Allele origin: germline.
Comment: This sequence change replaces asparagine, which is neutral and polar, with tyrosine, which is neutral and polar, at codon 517 of the TBX5 protein (p.Asn517Tyr). This variant is not present in population databases (gnomAD no frequency). This variant has not been reported in the literature in individuals affected with TBX5-related conditions. Invitae Evidence Modeling of protein sequence and biophysical properties (such as structural, functional, and spatial information, amino acid conservation, physicochemical variation, residue mobility, and thermodynamic stability) indicates that this missense variant is not expected to disrupt TBX5 protein function with a negative predictive value of 95%. In summary, the available evidence is currently insufficient to determine the role of this variant in disease. Therefore, it has been classified as a Variant of Uncertain Significance.

NM_181486.4(TBX5):c.1549A>T (p.Asn517Tyr)

Gene: TBX5 (T-box transcription factor 5; minus strand). Cytogenetic location: 12q24.21.
Variant type: single nucleotide variant.
Coding change: c.1549A>T on transcript NM_181486.4 (MANE Select); coding-DNA position 1549, A replaced by T.
Protein change: p.Asn517Tyr; replaces asparagine 517 with tyrosine.
Molecular consequence: missense variant.
Genome position (GRCh38, 1-based): chr12:114,355,540, T>A on the plus strand (A>T on the coding strand, the complement: TBX5 is on the minus strand). VCF-style: chr12-114355540-T-A. GRCh37 (hg19) VCF-style: chr12-114793345-T-A.
Other names: c.1549A>T, p.Asn517Tyr (NM_000192.3); c.1399A>T, p.Asn467Tyr (NM_080717.4); short protein forms N517Y, N467Y.
Identifiers: ClinVar variation 4778192 (VCV004778192.1).
Genomic context (GRCh38, chr12:114,355,540, plus strand): 5'-CCTCTCTCTCTCTCTTTCTCTAGGAAATGTCTGTTGTGAAGCAGGCCTCACTTTAGCTAT[T>A]GTCGCTCCACTCTGGCACCATGCCAACTCCGTGCACAGAGTGGTACTGATGAGGGGATAG-3'
Protein context (NP_852259.1, residues 507-518): GVGMVPEWSD[Asn517Tyr]S